The following is an entry in ClinVar:

ClinVar aggregate classification (germline): Uncertain significance (1 of 4 stars; one submission).

Submission:

Labcorp Genetics (formerly Invitae), Labcorp
Classification: Uncertain significance. Last evaluated: 2021-04-28. Review status: criteria provided, single submitter. Criteria: Invitae Variant Classification Sherloc (09022015). Collection method: clinical testing. Allele origin: germline.
Comment: In summary, the available evidence is currently insufficient to determine the role of this variant in disease. Therefore, it has been classified as a Variant of Uncertain Significance. This variant has not been reported in the literature in individuals with LAMC3-related conditions. This variant is present in population databases (rs751282708, ExAC 0.003%). This sequence change creates a premature translational stop signal (p.Leu1529Glnfs*20) in the LAMC3 gene. While this is not anticipated to result in nonsense mediated decay, it is expected to disrupt the last 47 amino acid(s) of the LAMC3 protein.

NM_006059.4(LAMC3):c.4586_4587del (p.Leu1529fs)

Gene: LAMC3 (laminin subunit gamma 3; plus strand). Cytogenetic location: 9q34.12.
Variant type: Deletion.
Coding change: c.4586_4587del on transcript NM_006059.4 (MANE Select); coding-DNA positions 4586 to 4587, 2 bases deleted (TC; older notation c.4586_4587delTC).
Protein change: p.Leu1529fs; shifts the reading frame from leucine 1529.
Molecular consequence: frameshift variant.
Genome position (GRCh38, 1-based): chr9:131,091,645-131,091,646, TC deleted; deleting any 2 consecutive bases within chr9:131,091,644-131,091,646 gives the same sequence; the c. name uses the placement nearest the transcript's 3' end. VCF-style (leftmost placement, unchanged base first): chr9-131091643-ACT-A. GRCh37 (hg19) VCF-style: chr9-133967030-ACT-A.
Other names: short protein forms L1529fs.
Identifiers: ClinVar variation 1504095 (VCV001504095.5), dbSNP rs751282708, ClinGen allele CA5288227.